The following is an entry in ClinVar:

NM_016038.4(SBDS):c.523C>T (p.Arg175Trp)

Gene: SBDS (SBDS ribosome maturation factor; minus strand). Cytogenetic location: 7q11.21.
Variant type: single nucleotide variant.
Coding change: c.523C>T on transcript NM_016038.4 (MANE Select); coding-DNA position 523, C replaced by T.
Protein change: p.Arg175Trp; replaces arginine 175 with tryptophan.
Molecular consequence: missense variant.
Genome position (GRCh38, 1-based): chr7:66,991,238, G>A on the plus strand (C>T on the coding strand, the complement: SBDS is on the minus strand). VCF-style: chr7-66991238-G-A. GRCh37 (hg19) VCF-style: chr7-66456225-G-A.
Other names: NM_016038.4(SBDS):c.523C>T; p.Arg175Trp; c.523C>T (LRG_104t1); short protein forms R175W.
Identifiers: ClinVar variation 418467 (VCV000418467.13), dbSNP rs774976459, ClinGen allele CA4279143.
Genomic context (GRCh38, chr7:66,991,238, plus strand): 5'-TGATCAGTGGCTTGAGCTTTTCTTTCAGCTTCTTGCCTTCATTGACTGGAAGGATGAACC[G>A]AAGCCTCATGTGAGCACGTTCTATCTTCATTTTCTCTTTTAACTGCTTTATCACTTCCAA-3'
Protein context (NP_057122.2, residues 165-185): MKIERAHMRL[Arg175Trp]FILPVNEGKK

ClinVar aggregate classification (germline): Conflicting classifications of pathogenicity. Review status: criteria provided, conflicting classifications (1 of 4 stars). 7 submissions from 7 submitters: Pathogenic (1); Likely pathogenic (5); Uncertain significance (1). Last evaluated 2026-03-05.

Conditions:
Shwachman-Diamond syndrome 1 (SDS1). Also called: LIPOMATOSIS OF PANCREAS, CONGENITAL. Identifiers: MedGen C4692625, MONDO:0044204, OMIM 260400.
Aplastic anemia. Identifiers: Orphanet 182040, Orphanet 88, MedGen C0002874, MONDO:0015909, OMIM 609135, HP:0001915.

Allele frequency attached by ClinVar (database versions not stated): TOPMed below 0.00001; gnomAD 0.00001; gnomAD exomes 0.00001; ExAC 0.00002.
gnomAD v4.1: 9 of 1,613,812 alleles (0.00056%); highest among the groups gnomAD compares: East Asian, 0.0045%; no homozygotes.

Submissions (7):

Mendelics
Classification: Pathogenic for Shwachman-Diamond syndrome 1. Last evaluated: 2026-03-05. Review status: criteria provided, single submitter. Criteria: ACMG Guidelines, 2015. Collection method: clinical testing. Allele origin: unknown.
Comment: Likely pathogenic/Pathogenic according to ACMG criteria.

Broad Center for Mendelian Genomics, Broad Institute of MIT and Harvard
Classification: Likely pathogenic for Shwachman-Diamond syndrome 1. Last evaluated: 2025-02-06. Review status: criteria provided, single submitter. Criteria: ACMG Guidelines, 2015. Collection method: curation. Allele origin: germline. Inheritance: Autosomal recessive inheritance.
Comment: The p.Arg175Trp variant in SBDS has been reported in 3 individuals with Shwachman-Diamond syndrome (PMID: 17046571, 34758064, DOI:10.21203/rs.3.rs-2594396/v1), and has been identified in 0.004% (2/44884) of East Asian chromosomes by the Genome Aggregation Database (gnomAD; dbSNP rs774976459). Although this variant has been seen in the general population in a heterozygous state, its frequency is low enough to be consistent with a recessive carrier frequency. The presence of a known pseudogene, SBDSP1, can impact the reliability of allele frequencies. This variant has also been reported in ClinVar (Variation ID: 418467) and has been interpreted as Likely pathogenic by GeneDx, Institute of Medical Genetics and Applied Genomics (University Hospital Tubingen), and Baylor Genetics and as a variant of uncertain significance by Center for Genomics (Ann and Robert H. Lurie Children's Hospital of Chicago). Of the 3 affected individuals, 2 were compound heterozygotes that carried reported pathogenic variants with unknown phase, which increases the likelihood that the p.Arg175Trp variant is pathogenic (Variation ID: 3195; PMID: 34758064, DOI:10.21203/rs.3.rs-2594396/v1). In vitro functional studies provide some evidence that the p.Arg175Trp variant may impact protein function (PMID: 17046571, PMID: 30545121). However, these types of assays may not accurately represent biological function. Computational prediction tools and conservation analyses suggest that this variant may impact the protein, though this information is not predictive enough to determine pathogenicity. In summary, although additional studies are required to fully establish its clinical significance, this variant is likely pathogenic for autosomal recessive Shwachman-Diamond syndrome. ACMG/AMP Criteria applied: PM3, PP3_moderate, PM2_supporting, PS3_supporting (Richards 2015).

GeneDx
Classification: Likely pathogenic. Last evaluated: 2024-04-29. Review status: criteria provided, single submitter. Criteria: GeneDx Variant Classification Process June 2021. Collection method: clinical testing. Allele origin: germline. Affected: yes.
Comment: In silico analysis, which includes protein predictors and evolutionary conservation, supports a deleterious effect; In silico analysis suggests this variant may impact gene splicing. In the absence of RNA/functional studies, the actual effect of this sequence change is unknown.; This variant is associated with the following publications: (PMID: 17350924, 17046571, 34758064, 17916435, 21536732)

Baylor Genetics
Classification: Likely pathogenic for Aplastic anemia. Last evaluated: 2024-02-15. Review status: criteria provided, single submitter. Criteria: ACMG Guidelines, 2015. Collection method: clinical testing. Allele origin: unknown.

Department of Pathology and Laboratory Medicine, Sinai Health System
Classification: Likely pathogenic for Shwachman-Diamond syndrome 1; Aplastic anemia. Last evaluated: 2021-07-30. Review status: criteria provided, single submitter. Criteria: ACMG Guidelines, 2015. Collection method: research. Allele origin: germline.

Institute of Medical Genetics and Applied Genomics, University Hospital Tübingen
Classification: Likely pathogenic. Last evaluated: 2020-10-23. Review status: criteria provided, single submitter. Criteria: ACMG Guidelines, 2015. Collection method: clinical testing. Allele origin: germline. Inheritance: Autosomal recessive inheritance. Affected: yes.

Center for Genomics, Ann and Robert H. Lurie Children's Hospital of Chicago
Classification: Uncertain significance for Shwachman-Diamond syndrome 1; Aplastic anemia. Review status: criteria provided, single submitter. Criteria: ACMG Guidelines, 2015. Collection method: clinical testing. Allele origin: germline.
Comment: SBDS NM_016038.2 exon 4 p.Arg175Trp (c.523C>T): This variant has been reported in the literature in 1 individual with Schwachman-Diamond Syndrome who also carried an additional variant in the same gene (Erdos 2007 PMID:17350924). It is present in 0.001% (1/68032) European alleles in the Genome Aggregation Database. This variant is present in ClinVar (Variation ID:418467). A nuclear magnetic resonance (NMR) spectroscopy study of the mutant protein suggests that this variant alters the protein's structural and chemical properties (Finch 2011 PMID:21536732). However, this may not result in an impact to in vivo biological function. Evolutionary conservation and computational predictive tools suggest that this variant may impact the protein. In summary, data on this variant is insufficient for disease classification. Therefore, the clinical significance of this variant is uncertain.

Literature cited by the submitters: PubMed 30545121 (cited by Broad Center for Mendelian Genomics, Broad Institute of MIT and Harvard).